The following is an entry in ClinVar:

GRCh38/hg38 11p15.2(chr11:16101236-16446623)x1

Genes: SOX6 (SRY-box transcription factor 6; minus strand), LOC110120848 (VISTA enhancer hs236; plus strand), LOC110120926 (VISTA enhancer hs717; plus strand), LOC110120947 (VISTA enhancer hs883; plus strand), LOC110121340 (VISTA enhancer hs1301; plus strand) and 6 more. Cytogenetic location: 11p15.2.
Variant type: copy number loss.
Change: copy number 1 (one copy instead of two) of chr11:16,101,236-16,446,623 (345.4 kb, GRCh38 coordinates, 1-based), cytogenetic band 11p15.2.
Identifiers: ClinVar variation 57478 (VCV000057478.2).

ClinVar aggregate classification (germline): Uncertain significance (1 of 4 stars; one submission).

Submission:

ISCA site 4
Classification: Uncertain significance. Last evaluated: 2011-08-12. Review status: criteria provided, single submitter. Criteria: Kaminsky et al. (Genet Med. 2011). Collection method: clinical testing. Allele origin: unknown. Affected: yes. Observed: 1 variant allele.
Comment: Copy number variation identified through the course of routine clinical cytogenomic testing in postnatal populations. Clinical assertions have been curated as described in Kaminsky et al. 2011.